The following is an entry in ClinVar:

ClinVar aggregate classification (germline): Conflicting classifications of pathogenicity. Review status: criteria provided, conflicting classifications (1 of 4 stars). 10 submissions from 10 submitters: Uncertain significance (3); Benign (1); Likely benign (4). 2 of the submissions do not count toward it. Last evaluated 2026-02-06.

Conditions:
EVC-related disorder. Also called: EVC-related condition; EVC-related disorders.
Curry-Hall syndrome (WAD). Also called: WEYERS ACRODENTAL DYSOSTOSIS. Identifiers: Orphanet 952, MedGen C0457013, MONDO:0008673, OMIM 193530.
Ellis-van Creveld syndrome (EVC). Also called: Chondroectodermal dysplasia; MESOECTODERMAL DYSPLASIA. Identifiers: Orphanet 289, MedGen C0013903, MONDO:0009162, OMIM 225500.

Allele frequency attached by ClinVar (database versions not stated): 1000 Genomes Project 30x 0.00031; 1000 Genomes Project 0.00040; TOPMed 0.00057; gnomAD 0.00067; ESP Exome Variant Server 0.00069.
gnomAD v4.1: 1,437 of 1,613,674 alleles (0.089%); highest among the groups gnomAD compares: South Asian, 0.2%; 7 homozygotes.

Submissions (10):

Women's Health and Genetics/Laboratory Corporation of America, LabCorp
Classification: Likely benign. Last evaluated: 2026-02-06. Review status: criteria provided, single submitter. Criteria: LabCorp Variant Classification Summary - May 2015. Collection method: clinical testing. Allele origin: germline.

Labcorp Genetics (formerly Invitae), Labcorp
Classification: Benign for Curry-Hall syndrome; Ellis-van Creveld syndrome. Last evaluated: 2025-12-24. Review status: criteria provided, single submitter. Criteria: Invitae Variant Classification Sherloc (09022015). Collection method: clinical testing. Allele origin: germline.

Blueprint Genetics
Classification: Likely benign. Last evaluated: 2024-11-08. Review status: criteria provided, single submitter. Criteria: ACMG Guidelines, 2015. Collection method: clinical testing. Allele origin: germline.

GeneDx
Classification: Uncertain significance. Last evaluated: 2021-11-15. Review status: criteria provided, single submitter. Criteria: GeneDx Variant Classification Process June 2021. Collection method: clinical testing. Allele origin: germline. Affected: yes.
Comment: Has not been previously published as pathogenic or benign to our knowledge; In-silico analysis is inconclusive as to whether the variant alters gene splicing. In the absence of RNA/functional studies, the actual effect of this sequence change is unknown.

ARUP Laboratories, Molecular Genetics and Genomics, ARUP Laboratories
Classification: Likely benign. Last evaluated: 2021-09-10. Review status: criteria provided, single submitter. Criteria: ARUP Molecular Germline Variant Investigation Process 2021. Collection method: clinical testing. Allele origin: germline.

Genome-Nilou Lab
Classification: Likely benign for Ellis-van Creveld syndrome. Last evaluated: 2021-05-18. Review status: criteria provided, single submitter. Criteria: ACMG Guidelines, 2015. Collection method: clinical testing. Allele origin: germline. Affected: no.

Illumina Laboratory Services, Illumina
Classification: Uncertain significance for Ellis-van Creveld syndrome. Last evaluated: 2018-01-12. Review status: criteria provided, single submitter. Criteria: ICSL Variant Classification Criteria 13 December 2019. Collection method: clinical testing. Allele origin: germline.

Eurofins Ntd Llc (ga)
Classification: Uncertain significance. Last evaluated: 2015-05-19. Review status: criteria provided, single submitter. Criteria: EGL Classification Definitions 2015. Collection method: clinical testing. Allele origin: germline. Observed: 1 variant allele, 1 heterozygote.

PreventionGenetics, part of Exact Sciences
Classification: Likely benign for EVC-related condition. Last evaluated: 2024-09-17. Review status: no assertion criteria provided. Collection method: clinical testing. Allele origin: germline. Not counted in ClinVar's aggregate classification.
Comment: This variant is classified as likely benign based on ACMG/AMP sequence variant interpretation guidelines (Richards et al. 2015 PMID: 25741868, with internal and published modifications).

Natera, Inc.
Classification: Likely benign for Ellis-van Creveld syndrome. Last evaluated: 2019-10-28. Review status: no assertion criteria provided. Collection method: clinical testing. Allele origin: germline. Not counted in ClinVar's aggregate classification.

NM_153717.3(EVC):c.2322G>C (p.Ala774=)

Gene: EVC (EvC ciliary complex subunit 1; plus strand). Cytogenetic location: 4p16.2.
Variant type: single nucleotide variant.
Coding change: c.2322G>C on transcript NM_153717.3 (MANE Select); coding-DNA position 2322, G replaced by C.
Protein change: p.Ala774=; no amino-acid change (alanine 774 retained).
Molecular consequence: synonymous variant.
Genome position (GRCh38, 1-based): chr4:5,801,967, G>C. VCF-style: chr4-5801967-G-C. GRCh37 (hg19) VCF-style: chr4-5803694-G-C.
Other names: c.2322G>C, p.Ala774= (NM_001306090.2).
Identifiers: ClinVar variation 194682 (VCV000194682.34), dbSNP rs150373930, ClinGen allele CA240795.